The following is an entry in ClinVar:

ClinVar aggregate classification (germline): Likely pathogenic (1 of 4 stars; one submission).

Submission:

Labcorp Genetics (formerly Invitae), Labcorp
Classification: Likely pathogenic. Last evaluated: 2023-12-29. Review status: criteria provided, single submitter. Criteria: Invitae Variant Classification Sherloc (09022015). Collection method: clinical testing. Allele origin: germline.
Comment: This sequence change affects an acceptor splice site in intron 5 of the ANO6 gene. It is expected to disrupt RNA splicing. Variants that disrupt the donor or acceptor splice site typically lead to a loss of protein function (PMID: 16199547), and loss-of-function variants in ANO6 are known to be pathogenic (PMID: 21107324, 21511967, 27879994). This variant is not present in population databases (gnomAD no frequency). This variant has not been reported in the literature in individuals affected with ANO6-related conditions. Algorithms developed to predict the effect of sequence changes on RNA splicing suggest that this variant may disrupt the consensus splice site. In summary, the currently available evidence indicates that the variant is pathogenic, but additional data are needed to prove that conclusively. Therefore, this variant has been classified as Likely Pathogenic.

Literature cited by the submitters: PubMed 16199547; PubMed 21107324; PubMed 21511967; PubMed 27879994.

NM_001025356.3(ANO6):c.634-1G>A

Gene: ANO6 (anoctamin 6; plus strand). Cytogenetic location: 12q12.
Variant type: single nucleotide variant.
Coding change: c.634-1G>A on transcript NM_001025356.3 (MANE Select); the canonical splice acceptor site of the intron before coding-DNA position 634, G replaced by A.
Molecular consequence: splice acceptor variant.
Genome position (GRCh38, 1-based): chr12:45,348,517, G>A. VCF-style: chr12-45348517-G-A. GRCh37 (hg19) VCF-style: chr12-45742300-G-A.
Other names: c.634-1G>A (NM_001142679.2); c.697-1G>A (NM_001204803.2); c.601-1G>A (NM_001410973.1); c.580-1G>A (NM_001142678.2).
Identifiers: ClinVar variation 2798210 (VCV002798210.3), dbSNP rs2547462651, ClinGen allele CA384468584.